The following is an entry in ClinVar:

ClinVar aggregate classification (germline): Uncertain significance (1 of 4 stars; one submission).

Conditions:
Hereditary cancer-predisposing syndrome. Also called: Neoplastic Syndromes, Hereditary; Tumor predisposition; Hereditary Cancer Syndrome; Hereditary neoplastic syndrome. Identifiers: Orphanet 140162, MedGen C0027672, MeSH D009386, MONDO:0015356.

Submission:

Ambry Genetics
Classification: Uncertain significance for Hereditary cancer-predisposing syndrome. Last evaluated: 2021-01-14. Review status: criteria provided, single submitter. Criteria: Ambry Variant Classification Scheme 2023. Collection method: clinical testing. Allele origin: germline.
Comment: The p.K415N variant (also known as c.1245G>C), located in coding exon 4 of the BARD1 gene, results from a G to C substitution at nucleotide position 1245. The lysine at codon 415 is replaced by asparagine, an amino acid with similar properties. This amino acid position is highly conserved in available vertebrate species. In addition, this alteration is predicted to be tolerated by in silico analysis. Since supporting evidence is limited at this time, the clinical significance of this alteration remains unclear.

NM_000465.4(BARD1):c.1245G>C (p.Lys415Asn)

Gene: BARD1 (BRCA1 associated RING domain 1; minus strand). Cytogenetic location: 2q35.
Variant type: single nucleotide variant.
Coding change: c.1245G>C on transcript NM_000465.4 (MANE Select); coding-DNA position 1245, G replaced by C.
Protein change: p.Lys415Asn; replaces lysine 415 with asparagine.
Molecular consequence: missense variant. On other transcripts: non-coding transcript variant (2), intron variant (3).
Genome position (GRCh38, 1-based): chr2:214,780,629, C>G on the plus strand (G>C on the coding strand, the complement: BARD1 is on the minus strand). VCF-style: chr2-214780629-C-G. GRCh37 (hg19) VCF-style: chr2-215645353-C-G.
Other names: c.1188G>C, p.Lys396Asn (NM_001282543.2); c.159-28074G>C (NM_001282548.2); c.215+16432G>C (NM_001282545.2); c.364+11668G>C (NM_001282549.2); short protein forms K396N, K415N.
Identifiers: ClinVar variation 1759431 (VCV001759431.2), dbSNP rs2469501486, ClinGen allele CA350453573.
Genomic context (GRCh38, chr2:214,780,629, plus strand): 5'-AGCAATATGGAGCAAAGTCTCTCCTCTATGATTTCTTTTCACAGCCATATTGGGCAACAG[C>G]TTCATTGCTGAGGGACTAGACATCACTCGCCTGTAACTTGAACTACTTAATGTAGAAGGT-3'
Protein context (NP_000456.2, residues 405-425): RRVMSSPSAM[Lys415Asn]LLPNMAVKRN